The following is an entry in ClinVar:

NM_001126108.2(SLC12A3):c.1444-2_1462dup

Gene: SLC12A3 (solute carrier family 12 member 3; plus strand). Cytogenetic location: 16q13.
Variant type: Duplication.
Coding change: c.1444-2_1462dup on transcript NM_001126108.2 (MANE Select); the canonical splice acceptor site of the intron before coding-DNA position 1444 through coding-DNA position 1462, 21 bases duplicated (AGTGCCTTTGCGAGGACCAGC).
Molecular consequence: splice acceptor variant.
Genome position (GRCh38, 1-based): chr16:56,880,128-56,880,148, AGTGCCTTTGCGAGGACCAGC duplicated; duplicating any 21 consecutive bases within chr16:56,880,126-56,880,148 gives the same sequence; the c. name uses the placement nearest the transcript's 3' end. VCF-style (leftmost placement, unchanged base first): chr16-56880125-T-TGCAGTGCCTTTGCGAGGACCA. GRCh37 (hg19) VCF-style: chr16-56914037-T-TGCAGTGCCTTTGCGAGGACCA.
Other names: c.1444-2_1462dup (NM_000339.3); c.1441-2_1459dup (NM_001126107.2).
Identifiers: ClinVar variation 1684168 (VCV001684168.2), dbSNP rs1325615258, ClinGen allele CA722009482.

ClinVar aggregate classification (germline): Pathogenic/Likely pathogenic. Review status: criteria provided, multiple submitters, no conflicts (2 of 4 stars). 2 submissions from 2 submitters: Pathogenic (1); Likely pathogenic (1). Last evaluated 2026-03-05.

Conditions:
Familial hypokalemia-hypomagnesemia (GTLMNS). Also called: gitelman syndrome; HYPOMAGNESEMIA-HYPOKALEMIA, PRIMARY RENOTUBULAR, WITH HYPOCALCIURIA; POTASSIUM AND MAGNESIUM DEPLETION. Identifiers: Orphanet 358, MedGen C0268450, MONDO:0009904, OMIM 263800.

Submissions (2):

Mendelics
Classification: Pathogenic for Familial hypokalemia-hypomagnesemia. Last evaluated: 2026-03-05. Review status: criteria provided, single submitter. Criteria: ACMG Guidelines, 2015. Collection method: clinical testing. Allele origin: unknown.
Comment: Likely pathogenic/Pathogenic according to ACMG criteria.

European Hospital Georges Pompidou Genetics Department, Assistance Publique - Hôpitaux de Paris AP-HP
Classification: Likely pathogenic for Familial hypokalemia-hypomagnesemia. Last evaluated: 2022-04-27. Review status: criteria provided, single submitter. Criteria: ACMG Guidelines, 2015. Collection method: clinical testing. Allele origin: germline. Affected: yes.
Comment: ACMG criteria used:PM1 PM2 PM4